The following is an entry in ClinVar:

NM_006160.4(NEUROD2):c.830T>A (p.Leu277Gln)

Gene: NEUROD2 (neuronal differentiation 2; minus strand). Cytogenetic location: 17q12.
Variant type: single nucleotide variant.
Coding change: c.830T>A on transcript NM_006160.4 (MANE Select); coding-DNA position 830, T replaced by A.
Protein change: p.Leu277Gln; replaces leucine 277 with glutamine.
Molecular consequence: missense variant.
Genome position (GRCh38, 1-based): chr17:39,605,770, A>T on the plus strand (T>A on the coding strand, the complement: NEUROD2 is on the minus strand). VCF-style: chr17-39605770-A-T. GRCh37 (hg19) VCF-style: chr17-37762023-A-T.
Other names: short protein forms L277Q.
Identifiers: ClinVar variation 1878861 (VCV001878861.1), dbSNP rs2545857988, ClinGen allele CA398855987.

ClinVar aggregate classification (germline): Uncertain significance (1 of 4 stars; one submission).

Submission:

GeneDx
Classification: Uncertain significance. Last evaluated: 2022-07-15. Review status: criteria provided, single submitter. Criteria: GeneDx Variant Classification Process June 2021. Collection method: clinical testing. Allele origin: germline. Affected: yes.
Comment: Not observed at significant frequency in large population cohorts (gnomAD); In silico analysis supports that this missense variant does not alter protein structure/function; Has not been previously published as pathogenic or benign to our knowledge